The following is an entry in ClinVar:

ClinVar aggregate classification (germline): Uncertain significance (1 of 4 stars; one submission).

Submission:

Labcorp Genetics (formerly Invitae), Labcorp
Classification: Uncertain significance. Last evaluated: 2023-11-24. Review status: criteria provided, single submitter. Criteria: Invitae Variant Classification Sherloc (09022015). Collection method: clinical testing. Allele origin: germline.
Comment: This sequence change replaces phenylalanine, which is neutral and non-polar, with cysteine, which is neutral and slightly polar, at codon 60 of the COL11A1 protein (p.Phe60Cys). This variant is not present in population databases (gnomAD no frequency). This variant has not been reported in the literature in individuals affected with COL11A1-related conditions. Advanced modeling of protein sequence and biophysical properties (such as structural, functional, and spatial information, amino acid conservation, physicochemical variation, residue mobility, and thermodynamic stability) performed at Invitae indicates that this missense variant is not expected to disrupt COL11A1 protein function with a negative predictive value of 95%. In summary, the available evidence is currently insufficient to determine the role of this variant in disease. Therefore, it has been classified as a Variant of Uncertain Significance.

NM_001854.4(COL11A1):c.179T>G (p.Phe60Cys)

Gene: COL11A1 (collagen type XI alpha 1 chain; minus strand). Cytogenetic location: 1p21.1.
Variant type: single nucleotide variant.
Coding change: c.179T>G on transcript NM_001854.4 (MANE Select); coding-DNA position 179, T replaced by G.
Protein change: p.Phe60Cys; replaces phenylalanine 60 with cysteine.
Molecular consequence: missense variant. On other transcripts: non-coding transcript variant (1).
Genome position (GRCh38, 1-based): chr1:103,082,900, A>C on the plus strand (T>G on the coding strand, the complement: COL11A1 is on the minus strand). VCF-style: chr1-103082900-A-C. GRCh37 (hg19) VCF-style: chr1-103548456-A-C.
Other names: c.179T>G, p.Phe60Cys (NM_001168249.1, NM_001190709.2, NM_080629.3 and 1 more transcripts); short protein forms F60C.
Identifiers: ClinVar variation 2825020 (VCV002825020.3), dbSNP rs948856403, ClinGen allele CA27756346.